The following is an entry in ClinVar:

ClinVar aggregate classification (germline): Uncertain significance (1 of 4 stars; one submission).

Allele frequency attached by ClinVar (database versions not stated): gnomAD exomes below 0.00001; gnomAD 0.00001; TOPMed 0.00001.
gnomAD v4.1: 3 of 1,595,184 alleles (0.00019%); highest among the groups gnomAD compares: African/African-American, 0.004%; no homozygotes.

Submission:

Labcorp Genetics (formerly Invitae), Labcorp
Classification: Uncertain significance. Last evaluated: 2023-07-21. Review status: criteria provided, single submitter. Criteria: Invitae Variant Classification Sherloc (09022015). Collection method: clinical testing. Allele origin: germline.
Comment: This sequence change replaces serine, which is neutral and polar, with glycine, which is neutral and non-polar, at codon 50 of the SAMD11 protein (p.Ser50Gly). This variant is not present in population databases (gnomAD no frequency). This variant has not been reported in the literature in individuals affected with SAMD11-related conditions. ClinVar contains an entry for this variant (Variation ID: 2122561). An algorithm developed to predict the effect of missense changes on protein structure and function (PolyPhen-2) suggests that this variant is likely to be tolerated. In summary, the available evidence is currently insufficient to determine the role of this variant in disease. Therefore, it has been classified as a Variant of Uncertain Significance.

NM_001385641.1(SAMD11):c.685A>G (p.Ser229Gly)

Gene: SAMD11 (sterile alpha motif domain containing 11; plus strand). Cytogenetic location: 1p36.33.
Variant type: single nucleotide variant.
Coding change: c.685A>G on transcript NM_001385641.1 (MANE Select); coding-DNA position 685, A replaced by G.
Protein change: p.Ser229Gly; replaces serine 229 with glycine.
Molecular consequence: missense variant.
Genome position (GRCh38, 1-based): chr1:930,230, A>G. VCF-style: chr1-930230-A-G. GRCh37 (hg19) VCF-style: chr1-865610-A-G.
Other names: c.685A>G, p.Ser229Gly (NM_001385640.1); c.148A>G, p.Ser50Gly (NM_152486.4); short protein forms S229G, S50G.
Identifiers: ClinVar variation 2122561 (VCV002122561.4), dbSNP rs1365703744, ClinGen allele CA337791656.